The following is an entry in ClinVar:

ClinVar aggregate classification (germline): Uncertain significance (1 of 4 stars; one submission).

Conditions:
Cardiovascular phenotype. Identifiers: MedGen CN230736.

Submission:

Ambry Genetics
Classification: Uncertain significance for Cardiovascular phenotype. Last evaluated: 2023-05-25. Review status: criteria provided, single submitter. Criteria: Ambry Variant Classification Scheme 2023. Collection method: clinical testing. Allele origin: germline.
Comment: The p.W34* variant (also known as c.102G>A), located in coding exon 1 of the ALPK3 gene, results from a G to A substitution at nucleotide position 102. This changes the amino acid from a tryptophan to a stop codon within coding exon 1. This alteration is expected to result in loss of function by premature protein truncation or nonsense-mediated mRNA decay. However, based on data from gnomAD, several loss of function alterations in the first exon of ALPK3 (p.C64* and p.E148Qfs*8) are too frequent to cause disease given the incidence of pediatric cardiomyopathy. The abundance of nonsense and frameshift alleles in the first exon in population databases brings into question the pathogenicity of loss of function alterations in N-terminus of ALPK3 and suggests the possibility of an alternative start site. Since supporting evidence is limited at this time, the clinical significance of this alteration remains unclear.

NM_020778.4(ALPK3):c.102G>A (p.Trp34Ter)

Gene: ALPK3 (alpha kinase 3; plus strand). Cytogenetic location: 15q25.3.
Variant type: single nucleotide variant.
Coding change: c.102G>A on transcript NM_020778.4; coding-DNA position 102, G replaced by A.
Protein change: p.Trp34Ter; replaces tryptophan 34 with a stop codon.
Genome position (GRCh38, 1-based): chr15:84,816,948, G>A. VCF-style: chr15-84816948-G-A. GRCh37 (hg19) VCF-style: chr15-85360179-G-A.
Other names: short protein forms W34*.
Identifiers: ClinVar variation 2563955 (VCV002563955.2), dbSNP rs2505687992, ClinGen allele CA393368122.